The following is an entry in ClinVar:

NM_001127222.2(CACNA1A):c.1810G>A (p.Val604Ile)

Gene: CACNA1A (calcium voltage-gated channel subunit alpha1 A; minus strand). Cytogenetic location: 19p13.13.
Variant type: single nucleotide variant.
Coding change: c.1810G>A on transcript NM_001127222.2 (MANE Select); coding-DNA position 1810, G replaced by A.
Protein change: p.Val604Ile; replaces valine 604 with isoleucine.
Molecular consequence: missense variant.
Genome position (GRCh38, 1-based): chr19:13,308,223, C>T on the plus strand (G>A on the coding strand, the complement: CACNA1A is on the minus strand). VCF-style: chr19-13308223-C-T. GRCh37 (hg19) VCF-style: chr19-13419037-C-T.
Other names: c.1813G>A, p.Val605Ile (NM_000068.4, NM_001127221.2, NM_001174080.2 and 1 more transcripts); short protein forms V604I, V605I.
Identifiers: ClinVar variation 808479 (VCV000808479.58), dbSNP rs756562814, ClinGen allele CA9240713.

ClinVar aggregate classification (germline): Uncertain significance. Review status: criteria provided, multiple submitters, no conflicts (2 of 4 stars). 5 submissions from 5 submitters: Uncertain significance (5). Last evaluated 2026-05-27.

Conditions:
Inborn genetic diseases. Identifiers: MedGen C0950123, MeSH D030342.
Episodic ataxia type 2 (EA2). Also called: ATAXIA, EPISODIC, WITH NYSTAGMUS; ATAXIA, FAMILIAL PAROXYSMAL; CEREBELLAR ATAXIA, PAROXYSMAL, ACETAZOLAMIDE-RESPONSIVE; CEREBELLOPATHY, HEREDITARY PAROXYSMAL; EPISODIC ATAXIA, NYSTAGMUS-ASSOCIATED; ACETAZOLAMIDE-RESPONSIVE HEREDITARY PAROXYSMAL CEREBELLAR ATAXIA. Identifiers: Orphanet 97, MedGen C1720416, MONDO:0007163, OMIM 108500.
Developmental and epileptic encephalopathy, 42 (DEE42A). Also called: Epileptic encephalopathy, early infantile, 42; DEVELOPMENTAL AND EPILEPTIC ENCEPHALOPATHY 42A; EPILEPTIC ENCEPHALOPATHY, EARLY INFANTILE, 42A. Identifiers: MedGen C4310716, MONDO:0014917, OMIM 617106.

Allele frequency attached by ClinVar (database versions not stated): gnomAD exomes 0.00001; ExAC 0.00002; TOPMed 0.00002.
gnomAD v4.1: 20 of 1,613,706 alleles (0.0012%); highest among the groups gnomAD compares: South Asian, 0.0033%; no homozygotes.

Submissions (5):

Ambry Genetics
Classification: Uncertain significance for Inborn genetic diseases. Last evaluated: 2026-05-27. Review status: criteria provided, single submitter. Criteria: Ambry Variant Classification Scheme 2023. Collection method: clinical testing. Allele origin: germline.
Comment: The c.1813G>A (p.V605I) alteration is located in exon 14 (coding exon 14) of the CACNA1A gene. This alteration results from a G to A substitution at nucleotide position 1813, causing the valine (V) at amino acid position 605 to be replaced by an isoleucine (I). Based on data from gnomAD, the A allele has an overall frequency of 0.001% (3/248774) total alleles studied. The highest observed frequency was 0.003% (1/30522) of South Asian alleles. Based on insufficient or conflicting evidence, the clinical significance of this alteration remains unclear.

Labcorp Genetics (formerly Invitae), Labcorp
Classification: Uncertain significance for Developmental and epileptic encephalopathy, 42; Episodic ataxia type 2. Last evaluated: 2024-02-24. Review status: criteria provided, single submitter. Criteria: Invitae Variant Classification Sherloc (09022015). Collection method: clinical testing. Allele origin: germline.
Comment: This sequence change replaces valine, which is neutral and non-polar, with isoleucine, which is neutral and non-polar, at codon 605 of the CACNA1A protein (p.Val605Ile). This variant is present in population databases (rs756562814, gnomAD 0.003%). This variant has not been reported in the literature in individuals affected with CACNA1A-related conditions. ClinVar contains an entry for this variant (Variation ID: 808479). Advanced modeling of protein sequence and biophysical properties (such as structural, functional, and spatial information, amino acid conservation, physicochemical variation, residue mobility, and thermodynamic stability) has been performed at Invitae for this missense variant, however the output from this modeling did not meet the statistical confidence thresholds required to predict the impact of this variant on CACNA1A protein function. In summary, the available evidence is currently insufficient to determine the role of this variant in disease. Therefore, it has been classified as a Variant of Uncertain Significance.

GeneDx
Classification: Uncertain significance. Last evaluated: 2022-11-16. Review status: criteria provided, single submitter. Criteria: GeneDx Variant Classification Process June 2021. Collection method: clinical testing. Allele origin: germline. Affected: yes.
Comment: Not observed at significant frequency in large population cohorts (gnomAD); In silico analysis supports that this missense variant does not alter protein structure/function; Has not been previously published as pathogenic or benign to our knowledge

New York Genome Center
Classification: Uncertain significance for Developmental and epileptic encephalopathy, 42. Last evaluated: 2021-07-02. Review status: criteria provided, single submitter. Criteria: NYGC Assertion Criteria 2020. Collection method: clinical testing. Allele origin: inherited. Observed: 1 heterozygote. Study: CSER-NYCKidSeq.

CeGaT Center for Human Genetics Tuebingen
Classification: Uncertain significance. Last evaluated: 2017-04-01. Review status: criteria provided, single submitter. Criteria: CeGaT Center For Human Genetics Tuebingen Variant Classification Criteria Version 2. Collection method: clinical testing. Allele origin: germline. Affected: yes. Observed: 1 variant allele.